The following is an entry in ClinVar:

ClinVar aggregate classification (germline): Uncertain significance (1 of 4 stars; one submission).

Allele frequency attached by ClinVar (database versions not stated): gnomAD exomes 0.00001.
gnomAD v4.1: 8 of 1,613,934 alleles (0.0005%); highest among the groups gnomAD compares: Non-Finnish European, 0.00068%; no homozygotes.

Submission:

Labcorp Genetics (formerly Invitae), Labcorp
Classification: Uncertain significance. Last evaluated: 2023-01-25. Review status: criteria provided, single submitter. Criteria: Invitae Variant Classification Sherloc (09022015). Collection method: clinical testing. Allele origin: germline.
Comment: In summary, the available evidence is currently insufficient to determine the role of this variant in disease. Therefore, it has been classified as a Variant of Uncertain Significance. Advanced modeling of protein sequence and biophysical properties (such as structural, functional, and spatial information, amino acid conservation, physicochemical variation, residue mobility, and thermodynamic stability) performed at Invitae indicates that this missense variant is not expected to disrupt KCNQ5 protein function. This variant has not been reported in the literature in individuals affected with KCNQ5-related conditions. This variant is not present in population databases (gnomAD no frequency). This sequence change replaces glycine, which is neutral and non-polar, with serine, which is neutral and polar, at codon 223 of the KCNQ5 protein (p.Gly223Ser).

NM_019842.4(KCNQ5):c.667G>A (p.Gly223Ser)

Gene: KCNQ5 (potassium voltage-gated channel subfamily Q member 5; plus strand). Cytogenetic location: 6q13.
Variant type: single nucleotide variant.
Coding change: c.667G>A on transcript NM_019842.4 (MANE Select); coding-DNA position 667, G replaced by A.
Protein change: p.Gly223Ser; replaces glycine 223 with serine.
Molecular consequence: missense variant.
Genome position (GRCh38, 1-based): chr6:73,077,372, G>A. VCF-style: chr6-73077372-G-A. GRCh37 (hg19) VCF-style: chr6-73787095-G-A.
Other names: c.667G>A, p.Gly223Ser (NM_001160130.2, NM_001160132.2, NM_001160133.2 and 1 more transcripts); short protein forms G223S.
Identifiers: ClinVar variation 2994085 (VCV002994085.3), dbSNP rs2533591501, ClinGen allele CA364826162.